The following is an entry in ClinVar:

ClinVar aggregate classification (germline): Uncertain significance (0 of 4 stars; one submission).

Conditions:
CLPP-related disorder. Also called: CLPP-related condition.

Allele frequency attached by ClinVar (database versions not stated): gnomAD 0.00001; gnomAD exomes 0.00001.
gnomAD v4.1: 22 of 1,612,598 alleles (0.0014%); highest among the groups gnomAD compares: Non-Finnish European, 0.0019%; no homozygotes.

Submission:

PreventionGenetics, part of Exact Sciences
Classification: Uncertain significance for CLPP-related condition. Last evaluated: 2024-01-22. Review status: no assertion criteria provided. Collection method: clinical testing. Allele origin: germline.
Comment: The CLPP c.355A>G variant is predicted to result in the amino acid substitution p.Ile119Val. To our knowledge, this variant has not been reported in the literature or in a large population database, indicating this variant is rare. A different variant affecting the same amino acid (p.Ile119Val) was reported in one individua with premature ovarian insufficiency (Table 2/Table3, Shen. 2021. PubMed ID: 33538981). At this time, the clinical significance of this variant is uncertain due to the absence of conclusive functional and genetic evidence.

NM_006012.4(CLPP):c.355A>G (p.Ile119Val)

Gene: CLPP (caseinolytic mitochondrial matrix peptidase proteolytic subunit; plus strand). Cytogenetic location: 19p13.3.
Variant type: single nucleotide variant.
Coding change: c.355A>G on transcript NM_006012.4 (MANE Select); coding-DNA position 355, A replaced by G.
Protein change: p.Ile119Val; replaces isoleucine 119 with valine.
Molecular consequence: missense variant.
Genome position (GRCh38, 1-based): chr19:6,362,530, A>G. VCF-style: chr19-6362530-A-G. GRCh37 (hg19) VCF-style: chr19-6362541-A-G.
Other names: short protein forms I119V.
Identifiers: ClinVar variation 3029167 (VCV003029167.2), dbSNP rs1319249207, ClinGen allele CA403588278.
Genomic context (GRCh38, chr19:6,362,530, plus strand): 5'-GTTATCGCACAGCTCCTCTTCCTGCAATCCGAGAGCAACAAGAAGCCCATCCACATGTAC[A>G]TCAACAGCCCTGGTGAGCAGGGTCTTTCCTGGGTGCCAGGGGCACTCGTCAGGGCACACG-3'
Protein context (NP_006003.1, residues 109-129): ESNKKPIHMY[Ile119Val]NSPGGVVTAG